The following is an entry in ClinVar:

NM_001458.5(FLNC):c.1851A>T (p.Glu617Asp)

Gene: FLNC (filamin C; plus strand). Cytogenetic location: 7q32.1.
Variant type: single nucleotide variant.
Coding change: c.1851A>T on transcript NM_001458.5 (MANE Select); coding-DNA position 1851, A replaced by T.
Protein change: p.Glu617Asp; replaces glutamic acid 617 with aspartic acid.
Molecular consequence: missense variant.
Genome position (GRCh38, 1-based): chr7:128,841,207, A>T. VCF-style: chr7-128841207-A-T. GRCh37 (hg19) VCF-style: chr7-128481261-A-T.
Other names: c.1851A>T, p.Glu617Asp (NM_001127487.2); short protein forms E617D.
Identifiers: ClinVar variation 954067 (VCV000954067.10), dbSNP rs199715890, ClinGen allele CA369227210.

ClinVar aggregate classification (germline): Uncertain significance (1 of 4 stars; one submission).

Conditions:
Hypertrophic cardiomyopathy 26. Also called: Cardiomyopathy, familial hypertrophic, 26. Identifiers: Orphanet 75249, MedGen C4310749, MONDO:0014883, OMIM 617047.
Myofibrillar myopathy 5. Also called: FILAMINOPATHY, AUTOSOMAL DOMINANT; Filaminopathy (type). Identifiers: Orphanet 171445, MedGen C1836050, MONDO:0012289, OMIM 609524.
Distal myopathy with posterior leg and anterior hand involvement. Also called: WILLIAMS DISTAL MYOPATHY. Identifiers: Orphanet 63273, MedGen C3279722, MONDO:0013550, OMIM 614065.

gnomAD v4.1: 1 of 1,614,018 alleles (0.000062%); highest among the groups gnomAD compares: Non-Finnish European, 0.000085%; no homozygotes.

Submission:

Labcorp Genetics (formerly Invitae), Labcorp
Classification: Uncertain significance for Distal myopathy with posterior leg and anterior hand involvement; Myofibrillar myopathy 5; Hypertrophic cardiomyopathy 26. Last evaluated: 2022-12-02. Review status: criteria provided, single submitter. Criteria: Invitae Variant Classification Sherloc (09022015). Collection method: clinical testing. Allele origin: germline.
Comment: In summary, the available evidence is currently insufficient to determine the role of this variant in disease. Therefore, it has been classified as a Variant of Uncertain Significance. Algorithms developed to predict the effect of missense changes on protein structure and function (SIFT, PolyPhen-2, Align-GVGD) all suggest that this variant is likely to be tolerated. ClinVar contains an entry for this variant (Variation ID: 954067). This variant has not been reported in the literature in individuals affected with FLNC-related conditions. This variant is not present in population databases (gnomAD no frequency). This sequence change replaces glutamic acid, which is acidic and polar, with aspartic acid, which is acidic and polar, at codon 617 of the FLNC protein (p.Glu617Asp).